The following is an entry in ClinVar:

NM_007118.4(TRIO):c.7754A>G (p.Gln2585Arg)

Gene: TRIO (trio Rho guanine nucleotide exchange factor; plus strand). Cytogenetic location: 5p15.2.
Variant type: single nucleotide variant.
Coding change: c.7754A>G on transcript NM_007118.4 (MANE Select); coding-DNA position 7754, A replaced by G.
Protein change: p.Gln2585Arg; replaces glutamine 2585 with arginine.
Molecular consequence: missense variant. On other transcripts: non-coding transcript variant (1).
Genome position (GRCh38, 1-based): chr5:14,492,688, A>G. VCF-style: chr5-14492688-A-G. GRCh37 (hg19) VCF-style: chr5-14492797-A-G.
Other names: short protein forms Q2585R.
Identifiers: ClinVar variation 5008907 (VCV005008907.2).

ClinVar aggregate classification (germline): Uncertain significance (1 of 4 stars; one submission).

Submission:

GeneDx
Classification: Uncertain significance. Last evaluated: 2026-10-21. Review status: criteria provided, single submitter. Criteria: GeneDx Variant Classification Process June 2021. Collection method: clinical testing. Allele origin: germline.
Comment: Not observed at significant frequency in large population cohorts (gnomAD); In silico analysis supports that this missense variant has a deleterious effect on protein structure/function; Has not been previously published as pathogenic or benign to our knowledge